The following is an entry in ClinVar:

NM_000064.4(C3):c.620G>A (p.Arg207Gln)

Gene: C3 (complement C3; minus strand). Cytogenetic location: 19p13.3.
Variant type: single nucleotide variant.
Coding change: c.620G>A on transcript NM_000064.4 (MANE Select); coding-DNA position 620, G replaced by A.
Protein change: p.Arg207Gln; replaces arginine 207 with glutamine.
Molecular consequence: missense variant.
Genome position (GRCh38, 1-based): chr19:6,714,228, C>T on the plus strand (G>A on the coding strand, the complement: C3 is on the minus strand). VCF-style: chr19-6714228-C-T. GRCh37 (hg19) VCF-style: chr19-6714239-C-T.
Other names: short protein forms R207Q.
Identifiers: ClinVar variation 2891573 (VCV002891573.3), dbSNP rs201681678, ClinGen allele CA9129747.

ClinVar aggregate classification (germline): Uncertain significance (1 of 4 stars; one submission).

Allele frequency attached by ClinVar (database versions not stated): TOPMed 0.00001; gnomAD exomes 0.00002; ExAC 0.00005; 1000 Genomes Project 30x 0.00016; 1000 Genomes Project 0.00020.
gnomAD v4.1: 33 of 1,613,866 alleles (0.002%); highest among the groups gnomAD compares: East Asian, 0.016%; no homozygotes.

Submission:

Labcorp Genetics (formerly Invitae), Labcorp
Classification: Uncertain significance. Last evaluated: 2023-11-07. Review status: criteria provided, single submitter. Criteria: Invitae Variant Classification Sherloc (09022015). Collection method: clinical testing. Allele origin: germline.
Comment: This sequence change replaces arginine, which is basic and polar, with glutamine, which is neutral and polar, at codon 207 of the C3 protein (p.Arg207Gln). This variant is present in population databases (rs201681678, gnomAD 0.02%). This variant has not been reported in the literature in individuals affected with C3-related conditions. Advanced modeling of protein sequence and biophysical properties (such as structural, functional, and spatial information, amino acid conservation, physicochemical variation, residue mobility, and thermodynamic stability) performed at Invitae indicates that this missense variant is not expected to disrupt C3 protein function with a negative predictive value of 80%. In summary, the available evidence is currently insufficient to determine the role of this variant in disease. Therefore, it has been classified as a Variant of Uncertain Significance.